The following is an entry in ClinVar:

ClinVar aggregate classification (germline): Uncertain significance (1 of 4 stars; one submission).

Conditions:
Wilson disease (WND). Also called: Wilson's disease. Identifiers: Orphanet 905, MedGen C0019202, MONDO:0010200, OMIM 277900. Disease mechanism: loss of function.

Submission:

Labcorp Genetics (formerly Invitae), Labcorp
Classification: Uncertain significance for Wilson disease. Last evaluated: 2021-12-02. Review status: criteria provided, single submitter. Criteria: Invitae Variant Classification Sherloc (09022015). Collection method: clinical testing. Allele origin: germline.
Comment: In summary, the available evidence is currently insufficient to determine the role of this variant in disease. Therefore, it has been classified as a Variant of Uncertain Significance. Advanced modeling of protein sequence and biophysical properties (such as structural, functional, and spatial information, amino acid conservation, physicochemical variation, residue mobility, and thermodynamic stability) performed at Invitae indicates that this missense variant is not expected to disrupt ATP7B protein function. This variant has not been reported in the literature in individuals affected with ATP7B-related conditions. This variant is not present in population databases (gnomAD no frequency). This sequence change replaces valine, which is neutral and non-polar, with isoleucine, which is neutral and non-polar, at codon 742 of the ATP7B protein (p.Val742Ile).

NM_000053.4(ATP7B):c.2224G>A (p.Val742Ile)

Gene: ATP7B (ATPase copper transporting beta; minus strand). Cytogenetic location: 13q14.3.
Variant type: single nucleotide variant.
Coding change: c.2224G>A on transcript NM_000053.4 (MANE Select); coding-DNA position 2224, G replaced by A.
Protein change: p.Val742Ile; replaces valine 742 with isoleucine.
Molecular consequence: missense variant. On other transcripts: intron variant (2).
Genome position (GRCh38, 1-based): chr13:51,958,442, C>T on the plus strand (G>A on the coding strand, the complement: ATP7B is on the minus strand). VCF-style: chr13-51958442-C-T. GRCh37 (hg19) VCF-style: chr13-52532578-C-T.
Other names: c.1891G>A, p.Val631Ile (NM_001243182.2); c.1972G>A, p.Val658Ile (NM_001330579.2); c.1870-835G>A (NM_001005918.3); c.2122-835G>A (NM_001330578.2); short protein forms V658I, V742I, V631I.
Identifiers: ClinVar variation 1523323 (VCV001523323.6), dbSNP rs2139538547, ClinGen allele CA388022527.